The following is an entry in ClinVar:

NM_203447.4(DOCK8):c.803T>G (p.Ile268Arg)

Gene: DOCK8 (dedicator of cytokinesis 8; plus strand). Cytogenetic location: 9p24.3.
Variant type: single nucleotide variant.
Coding change: c.803T>G on transcript NM_203447.4 (MANE Select); coding-DNA position 803, T replaced by G.
Protein change: p.Ile268Arg; replaces isoleucine 268 with arginine.
Molecular consequence: missense variant.
Genome position (GRCh38, 1-based): chr9:317,104, T>G. VCF-style: chr9-317104-T-G. GRCh37 (hg19) VCF-style: chr9-317104-T-G.
Other names: c.599T>G, p.Ile200Arg (NM_001190458.2, NM_001193536.2); short protein forms I268R, I200R.
Identifiers: ClinVar variation 578756 (VCV000578756.8), dbSNP rs770040157, ClinGen allele CA4957453.

ClinVar aggregate classification (germline): Uncertain significance. Review status: criteria provided, multiple submitters, no conflicts (2 of 4 stars). 3 submissions from 3 submitters: Uncertain significance (3). Last evaluated 2025-11-08.

Conditions:
Inborn genetic diseases. Identifiers: MedGen C0950123, MeSH D030342.
Combined immunodeficiency due to DOCK8 deficiency (HIES2). Also called: HYPER-IgE SYNDROME 2, AUTOSOMAL RECESSIVE, WITH RECURRENT INFECTIONS; Hyper-IgE recurrent infection syndrome, autosomal recessive; HIES autosomal recessive; DOCK8 Deficiency; HYPER-IgE RECURRENT INFECTION SYNDROME 2, AUTOSOMAL RECESSIVE. Identifiers: Orphanet 217390, MedGen C4722305, MONDO:0009478, OMIM 243700.

Allele frequency attached by ClinVar (database versions not stated): ExAC 0.00001; gnomAD 0.00001; gnomAD exomes 0.00002 and 0.00003; TOPMed 0.00002.
gnomAD v4.1: 38 of 1,613,824 alleles (0.0024%); highest among the groups gnomAD compares: South Asian, 0.0033%; no homozygotes.

Submissions (3):

Ambry Genetics
Classification: Uncertain significance for Inborn genetic diseases. Last evaluated: 2025-11-08. Review status: criteria provided, single submitter. Criteria: Ambry Variant Classification Scheme 2023. Collection method: clinical testing. Allele origin: germline.

GeneDx
Classification: Uncertain significance. Last evaluated: 2025-02-25. Review status: criteria provided, single submitter. Criteria: GeneDx Variant Classification Process June 2021. Collection method: clinical testing. Allele origin: germline. Affected: yes.
Comment: In silico analysis supports that this missense variant has a deleterious effect on protein structure/function; Has not been previously published as pathogenic or benign to our knowledge

Labcorp Genetics (formerly Invitae), Labcorp
Classification: Uncertain significance for Combined immunodeficiency due to DOCK8 deficiency. Last evaluated: 2021-08-28. Review status: criteria provided, single submitter. Criteria: Invitae Variant Classification Sherloc (09022015). Collection method: clinical testing. Allele origin: germline.
Comment: This sequence change replaces isoleucine with arginine at codon 268 of the DOCK8 protein (p.Ile268Arg). The isoleucine residue is highly conserved and there is a moderate physicochemical difference between isoleucine and arginine. This variant is present in population databases (rs770040157, ExAC 0.006%). This variant has not been reported in the literature in individuals affected with DOCK8-related conditions. Algorithms developed to predict the effect of missense changes on protein structure and function are either unavailable or do not agree on the potential impact of this missense change (SIFT: "Deleterious"; PolyPhen-2: "Possibly Damaging"; Align-GVGD: "Class C0"). In summary, the available evidence is currently insufficient to determine the role of this variant in disease. Therefore, it has been classified as a Variant of Uncertain Significance.